The following is an entry in ClinVar:

ClinVar aggregate classification (germline): Uncertain significance. Review status: criteria provided, multiple submitters, no conflicts (2 of 4 stars). 2 submissions from 2 submitters: Uncertain significance (2). Last evaluated 2024-07-24.

Conditions:
Hereditary cancer-predisposing syndrome. Also called: Hereditary Cancer Syndrome; Tumor predisposition; Hereditary neoplastic syndrome; Neoplastic Syndromes, Hereditary. Identifiers: Orphanet 140162, MedGen C0027672, MeSH D009386, MONDO:0015356.
Hereditary breast ovarian cancer syndrome. Also called: Hereditary breast and/or ovarian cancer syndrome; Hereditary breast and ovarian cancer syndrome; Hereditary breast and ovarian cancer syndrome (HBOC); Breast and ovarian cancer; Hereditary breast and ovarian cancer; BRCA1- and BRCA2-Associated Hereditary Breast and Ovarian Cancer. Identifiers: Orphanet 145, MedGen C0677776, MeSH D061325, MONDO:0003582. Disease mechanism: loss of function.

Submissions (2):

Ambry Genetics
Classification: Uncertain significance for Hereditary cancer-predisposing syndrome. Last evaluated: 2024-07-24. Review status: criteria provided, single submitter. Criteria: Ambry Variant Classification Scheme 2023. Collection method: clinical testing. Allele origin: germline.
Comment: The c.3551_3553delGAG variant (also known as p.G1184del) is located in coding exon 9 of the BRCA1 gene. This variant results from an in-frame GAG deletion at nucleotide positions 3551 to 3553. This results in the in-frame deletion of a glycine at codon 1184. This amino acid position is poorly conserved in available vertebrate species. In addition, this alteration is predicted to be deleterious by in silico analysis (Choi Y et al. PLoS ONE. 2012; 7(10):e46688). Based on the available evidence, the clinical significance of this variant remains unclear.

Labcorp Genetics (formerly Invitae), Labcorp
Classification: Uncertain significance for Hereditary breast ovarian cancer syndrome. Last evaluated: 2021-10-08. Review status: criteria provided, single submitter. Criteria: Invitae Variant Classification Sherloc (09022015). Collection method: clinical testing. Allele origin: germline.
Comment: This variant, c.3551_3553del, results in the deletion of 1 amino acid(s) of the BRCA1 protein (p.Gly1184del), but otherwise preserves the integrity of the reading frame. This variant is not present in population databases (ExAC no frequency). This variant has not been reported in the literature in individuals affected with BRCA1-related conditions. Experimental studies and prediction algorithms are not available or were not evaluated, and the functional significance of this variant is currently unknown. In summary, the available evidence is currently insufficient to determine the role of this variant in disease. Therefore, it has been classified as a Variant of Uncertain Significance.

NM_007294.4(BRCA1):c.3551_3553del (p.Gly1184del)

Genes: BRCA1 (BRCA1 DNA repair associated; minus strand), LOC126862571 (BRD4-independent group 4 enhancer GRCh37_chr17:41243136-41244335; plus strand). Cytogenetic location: 17q21.31.
Variant type: Deletion.
Coding change: c.3551_3553del on transcript NM_007294.4 (MANE Select); coding-DNA positions 3551 to 3553, 3 bases deleted (GAG; older notation c.3551_3553delGAG).
Protein change: p.Gly1184del; deletes glycine 1184.
Molecular consequence: inframe deletion. On other transcripts: intron variant (135).
Genome position (GRCh38, 1-based): chr17:43,091,978-43,091,980, CTC deleted on the plus strand (GAG on the coding strand, the reverse complement: BRCA1 is on the minus strand); deleting any 3 consecutive bases within chr17:43,091,978-43,091,982 gives the same sequence; the c. name uses the placement nearest the transcript's 3' end. VCF-style (leftmost placement, unchanged base first): chr17-43091977-TCTC-T. GRCh37 (hg19) VCF-style: chr17-41243994-TCTC-T.
Other names: c.3338_3340del, p.Gly1113del (NM_001407571.1, NM_001407853.1, NM_001407894.1 and 9 more transcripts); c.3551_3553del, p.Gly1184del (NM_001407581.1, NM_001407582.1, NM_001407583.1 and 30 more transcripts); c.3548_3550del, p.Gly1183del (NM_001407587.1, NM_001407590.1, NM_001407591.1 and 22 more transcripts); c.3542_3544del, p.Gly1181del (NM_001407646.1, NM_001407647.1); c.3428_3430del, p.Gly1143del (NM_001407648.1, NM_001407664.1, NM_001407665.1 and 19 more transcripts); c.3425_3427del, p.Gly1142del (NM_001407649.1, NM_001407670.1, NM_001407671.1 and 11 more transcripts); c.3473_3475del, p.Gly1158del (NM_001407653.1, NM_001407654.1, NM_001407655.1 and 4 more transcripts); c.3470_3472del, p.Gly1157del (NM_001407659.1, NM_001407660.1, NM_001407661.1 and 1 more transcripts); and 42 more; short protein forms G1137del, G1184del, G1016del, G1096del, G888del, G1057del, G1073del, G1116del.
Identifiers: ClinVar variation 1044787 (VCV001044787.9), dbSNP rs2053566566, ClinGen allele CA2260782481.